The following is an entry in ClinVar:

ClinVar aggregate classification (germline): Uncertain significance (1 of 4 stars; one submission).

Submission:

Labcorp Genetics (formerly Invitae), Labcorp
Classification: Uncertain significance. Last evaluated: 2023-03-20. Review status: criteria provided, single submitter. Criteria: Invitae Variant Classification Sherloc (09022015). Collection method: clinical testing. Allele origin: germline.
Comment: This sequence change affects codon 46 of the RBM10 mRNA. It is a 'silent' change, meaning that it does not change the encoded amino acid sequence of the RBM10 protein. This variant is not present in population databases (gnomAD no frequency). This variant has not been reported in the literature in individuals affected with RBM10-related conditions. Algorithms developed to predict the effect of sequence changes on RNA splicing suggest that this variant may create or strengthen a splice site. In summary, the available evidence is currently insufficient to determine the role of this variant in disease. Therefore, it has been classified as a Variant of Uncertain Significance.

NM_005676.5(RBM10):c.138C>T (p.Arg46=)

Gene: RBM10 (RNA binding motif protein 10; plus strand). Cytogenetic location: Xp11.3.
Variant type: single nucleotide variant.
Coding change: c.138C>T on transcript NM_005676.5 (MANE Select); coding-DNA position 138, C replaced by T.
Protein change: p.Arg46=; no amino-acid change (arginine 46 retained).
Molecular consequence: synonymous variant.
Genome position (GRCh38, 1-based): chrX:47,169,435, C>T. VCF-style: chrX-47169435-C-T. GRCh37 (hg19) VCF-style: chrX-47028834-C-T.
Other names: c.138C>T, p.Arg46= (NM_001204466.2, NM_001204467.2, NM_152856.3); c.333C>T, p.Arg111= (NM_001204468.2).
Identifiers: ClinVar variation 2821107 (VCV002821107.3), dbSNP rs1934472803, ClinGen allele CA515985218.